The following is an entry in ClinVar:

NM_005901.6(SMAD2):c.327-8C>G

Gene: SMAD2 (SMAD family member 2; minus strand). Cytogenetic location: 18q21.1.
Variant type: single nucleotide variant.
Coding change: c.327-8C>G on transcript NM_005901.6 (MANE Select); 8 bases into the intron before coding-DNA position 327, C replaced by G.
Molecular consequence: intron variant.
Genome position (GRCh38, 1-based): chr18:47,869,444, G>C on the plus strand (C>G on the coding strand, the complement: SMAD2 is on the minus strand). VCF-style: chr18-47869444-G-C. GRCh37 (hg19) VCF-style: chr18-45395815-G-C.
Other names: p.?; c.327-8C>G (NM_005901.5, NM_001003652.4); c.237-8C>G (NM_001135937.3).
Identifiers: ClinVar variation 2967124 (VCV002967124.7), dbSNP rs183623000, ClinGen allele CA8956281.

ClinVar aggregate classification (germline): Likely benign. Review status: criteria provided, multiple submitters, no conflicts (2 of 4 stars). 4 submissions from 4 submitters: Likely benign (3). 1 of the submissions does not count toward it. Last evaluated 2025-12-09.

Conditions:
SMAD2-related disorder. Also called: SMAD2-related condition; SMAD2-related disorders.

Allele frequency attached by ClinVar (database versions not stated): gnomAD exomes 0.00002; TOPMed 0.00002.
gnomAD v4.1: 39 of 1,600,990 alleles (0.0024%); highest among the groups gnomAD compares: Non-Finnish European, 0.003%; no homozygotes.

Submissions (4):

Labcorp Genetics (formerly Invitae), Labcorp
Classification: Likely benign. Last evaluated: 2025-12-09. Review status: criteria provided, single submitter. Criteria: Invitae Variant Classification Sherloc (09022015). Collection method: clinical testing. Allele origin: germline.

Mayo Clinic Laboratories, Mayo Clinic
Classification: Likely benign. Last evaluated: 2025-10-01. Review status: criteria provided, single submitter. Criteria: ACMG Guidelines, 2015. Collection method: clinical testing. Allele origin: germline. Observed: 1 variant allele.
Comment: BP4, BP7

Blueprint Genetics
Classification: Likely benign. Last evaluated: 2023-04-20. Review status: criteria provided, single submitter. Criteria: ACMG Guidelines, 2015. Collection method: clinical testing. Allele origin: germline.

PreventionGenetics, part of Exact Sciences
Classification: Likely benign for SMAD2-related condition. Last evaluated: 2021-10-20. Review status: no assertion criteria provided. Collection method: clinical testing. Allele origin: germline. Not counted in ClinVar's aggregate classification.
Comment: This variant is classified as likely benign based on ACMG/AMP sequence variant interpretation guidelines (Richards et al. 2015 PMID: 25741868, with internal and published modifications).